The following is an entry in ClinVar:

NM_000064.4(C3):c.4670A>C (p.Asp1557Ala)

Gene: C3 (complement C3; minus strand). Cytogenetic location: 19p13.3.
Variant type: single nucleotide variant.
Coding change: c.4670A>C on transcript NM_000064.4 (MANE Select); coding-DNA position 4670, A replaced by C.
Protein change: p.Asp1557Ala; replaces aspartic acid 1557 with alanine.
Molecular consequence: missense variant.
Genome position (GRCh38, 1-based): chr19:6,678,416, T>G on the plus strand (A>C on the coding strand, the complement: C3 is on the minus strand). VCF-style: chr19-6678416-T-G. GRCh37 (hg19) VCF-style: chr19-6678427-T-G.
Other names: short protein forms D1557A.
Identifiers: ClinVar variation 3698881 (VCV003698881.3).

ClinVar aggregate classification (germline): Uncertain significance. Review status: criteria provided, multiple submitters, no conflicts (2 of 4 stars). 2 submissions from 2 submitters: Uncertain significance (2). Last evaluated 2024-11-19.

gnomAD v4.1: 27 of 1,614,014 alleles (0.0017%); highest among the groups gnomAD compares: Middle Eastern, 0.45%; no homozygotes.

Submissions (2):

Labcorp Genetics (formerly Invitae), Labcorp
Classification: Uncertain significance. Last evaluated: 2024-11-19. Review status: criteria provided, single submitter. Criteria: Invitae Variant Classification Sherloc (09022015). Collection method: clinical testing. Allele origin: germline.
Comment: This sequence change replaces aspartic acid, which is acidic and polar, with alanine, which is neutral and non-polar, at codon 1557 of the C3 protein (p.Asp1557Ala). This variant is not present in population databases (gnomAD no frequency). This variant has not been reported in the literature in individuals affected with C3-related conditions. Invitae Evidence Modeling of protein sequence and biophysical properties (such as structural, functional, and spatial information, amino acid conservation, physicochemical variation, residue mobility, and thermodynamic stability) indicates that this missense variant is not expected to disrupt C3 protein function with a negative predictive value of 80%. In summary, the available evidence is currently insufficient to determine the role of this variant in disease. Therefore, it has been classified as a Variant of Uncertain Significance.

Blueprint Genetics
Classification: Uncertain significance. Last evaluated: 2022-04-21. Review status: criteria provided, single submitter. Criteria: ACMG Guidelines, 2015. Collection method: clinical testing. Allele origin: germline.